The following is an entry in ClinVar:

NM_001267550.2(TTN):c.49618A>G (p.Thr16540Ala)

Genes: TTN (titin; minus strand), TTN-AS1 (TTN antisense RNA 1; plus strand). Cytogenetic location: 2q31.2.
Variant type: single nucleotide variant.
Coding change: c.49618A>G on transcript NM_001267550.2 (MANE Select); coding-DNA position 49618, A replaced by G.
Protein change: p.Thr16540Ala; replaces threonine 16540 with alanine.
Molecular consequence: missense variant.
Genome position (GRCh38, 1-based): chr2:178,613,191, T>C on the plus strand (A>G on the coding strand, the complement: TTN is on the minus strand). VCF-style: chr2-178613191-T-C. GRCh37 (hg19) VCF-style: chr2-179477918-T-C.
Other names: c.44695A>G, p.Thr14899Ala (NM_001256850.1); c.22423A>G, p.Thr7475Ala (NM_003319.4); c.41914A>G, p.Thr13972Ala (NM_133378.4); c.22798A>G, p.Thr7600Ala (NM_133432.3); c.22999A>G, p.Thr7667Ala (NM_133437.4); short protein forms T13972A, T14899A, T16540A, T7475A, T7600A, T7667A.
Identifiers: ClinVar variation 3573608 (VCV003573608.1).

ClinVar aggregate classification (germline): Uncertain significance (1 of 4 stars; one submission).

gnomAD v4.1: 11 of 1,611,092 alleles (0.00068%); highest among the groups gnomAD compares: Non-Finnish European, 0.00093%; no homozygotes.

Submission:

GeneDx
Classification: Uncertain significance. Last evaluated: 2024-07-16. Review status: criteria provided, single submitter. Criteria: GeneDx Variant Classification Process June 2021. Collection method: clinical testing. Allele origin: germline. Affected: yes.
Comment: Not observed at significant frequency in large population cohorts (gnomAD); Missense variant in a gene in which most reported pathogenic variants are truncating/loss of function; Has not been previously published as pathogenic or benign to our knowledge